The following is an entry in ClinVar:

NM_001242896.3(DEPDC5):c.2548dup (p.Asp850fs)

Gene: DEPDC5 (DEP domain containing 5, GATOR1 subcomplex subunit; plus strand). Cytogenetic location: 22q12.3.
Variant type: Duplication.
Coding change: c.2548dup on transcript NM_001242896.3 (MANE Select); coding-DNA position 2548, one base duplicated (G; older notation c.2548dupG).
Protein change: p.Asp850fs; shifts the reading frame from aspartic acid 850.
Molecular consequence: frameshift variant. On other transcripts: non-coding transcript variant (5).
Genome position (GRCh38, 1-based): chr22:31,843,127, G duplicated; the last of 2 consecutive G bases (chr22:31,843,126-31,843,127); duplicating either gives the same sequence. VCF-style (leftmost placement, unchanged base first): chr22-31843125-A-AG. GRCh37 (hg19) VCF-style: chr22-32239111-A-AG.
Other names: c.2521dup, p.Asp841fs (NM_001136029.4, NM_001369903.1, NM_014662.6); c.2314dup, p.Asp772fs (NM_001242897.2, NM_001363854.2, NM_001364319.2); c.2548dup, p.Asp850fs (NM_001363852.2, NM_001364318.2, NM_001364320.2); c.2464dup, p.Asp822fs (NM_001369901.1, NM_001369902.1); short protein forms D772fs, D822fs, D841fs, D850fs.
Identifiers: ClinVar variation 1069373 (VCV001069373.7), dbSNP rs2149004143, ClinGen allele CA2499226165.

ClinVar aggregate classification (germline): Pathogenic (1 of 4 stars; one submission).

Conditions:
Familial focal epilepsy with variable foci (FPEVF). Identifiers: Orphanet 98820, MedGen C1858477, MONDO:0020310.

Submission:

Labcorp Genetics (formerly Invitae), Labcorp
Classification: Pathogenic for Familial focal epilepsy with variable foci. Last evaluated: 2018-05-03. Review status: criteria provided, single submitter. Criteria: Invitae Variant Classification Sherloc (09022015). Collection method: clinical testing. Allele origin: germline.
Comment: This sequence change creates a premature translational stop signal (p.Asp850Glyfs*19) in the DEPDC5 gene. It is expected to result in an absent or disrupted protein product. This variant is not present in population databases (ExAC no frequency). For these reasons, this variant has been classified as Pathogenic. Loss-of-function variants in DEPDC5 are known to be pathogenic (PMID: 23542697, 23542701). This variant has not been reported in the literature in individuals with DEPDC5-related disease.

Literature cited by the submitters: PubMed 23542697; PubMed 23542701.